The following is an entry in ClinVar:

NM_006259.3(PRKG2):c.2127-61CCTT[11]

Gene: PRKG2 (protein kinase cGMP-dependent 2; minus strand). Cytogenetic location: 4q21.21.
Variant type: Microsatellite.
Coding change: c.2127-61CCTT[11] on transcript NM_006259.3 (MANE Select); 11 copies in a row of the 4-base unit CCTT starting at c.2127-61; the reference has 12 copies in a row; one copy, 4 bases deleted.
Molecular consequence: intron variant.
Genome position (GRCh38, 1-based): chr4:81,092,466-81,092,469, AAGG deleted on the plus strand (CCTT on the coding strand, the reverse complement: PRKG2 is on the minus strand); deleting any 4 consecutive bases within chr4:81,092,466-81,092,513 gives the same sequence; the position shown is the placement nearest the transcript's 3' end. VCF-style (leftmost placement, unchanged base first): chr4-81092465-AAAGG-A. GRCh37 (hg19) VCF-style: chr4-82013619-AAAGG-A.
Other names: c.780-61CCTT[11] (NM_001282482.1); c.687-61CCTT[11] (NM_001282483.1); c.867-61CCTT[11] (NM_001282481.1, NM_001282480.1); c.2040-61CCTT[11] (NM_001282485.2); c.2127-61CCTT[11] (NM_001363401.2); c.2127-17_2127-14delCCTT (NM_006259.3).
Identifiers: ClinVar variation 4887514 (VCV004887514.1).
Genomic context (GRCh38, chr4:81,092,465, plus strand): 5'-GGAAGGCTCCGTGCTTTCAGTCCCTCCCAATTAAAACCATTTAACCACCTGAGAAATGAG[AAAGG>A]AAGGAAGGAAGGAAGGAAGGAAGGAAGGAAGGAAGGAAGGAAGGGAGAAAGAAAGAGACG-3'

ClinVar aggregate classification (germline): Benign (1 of 4 stars; one submission).

Submission:

Women's Health and Genetics/Laboratory Corporation of America, LabCorp
Classification: Benign. Last evaluated: 2026-06-04. Review status: criteria provided, single submitter. Criteria: LabCorp Variant Classification Summary - May 2015. Collection method: clinical testing. Allele origin: germline.
Comment: Variant summary: PRKG2 c.2127-17_2127-14delCCTT alters a nucleotide located at a position not widely known to affect splicing. Consensus agreement among computation tools predict no significant impact on normal splicing. However, these predictions have yet to be confirmed by functional studies. The variant allele was found at a frequency of 0.022 in 926206 control chromosomes, predominantly at a frequency of 0.14 within the African or African-American subpopulation in the gnomAD database, including 466 homozygotes. The observed variant frequency within African or African-American control individuals in the gnomAD database exceeds the estimated maximal expected allele frequency for disease-causing variants in PRKG2. To our knowledge, no occurrence of c.2127-17_2127-14delCCTT in individuals affected with PRKG2-related conditions and no experimental evidence demonstrating its impact on protein function have been reported. No submitters have cited clinical-significance assessments for this variant to ClinVar. Based on the evidence outlined above, the variant was classified as benign.